The following is an entry in ClinVar:

ClinVar aggregate classification (germline): Uncertain significance (1 of 4 stars; one submission).

Allele frequency attached by ClinVar (database versions not stated): gnomAD exomes below 0.00001; 1000 Genomes Project 30x 0.00031.
gnomAD v4.1: 9 of 1,613,108 alleles (0.00056%); highest among the groups gnomAD compares: Admixed American, 0.005%; no homozygotes.

Submission:

Labcorp Genetics (formerly Invitae), Labcorp
Classification: Uncertain significance. Last evaluated: 2023-07-10. Review status: criteria provided, single submitter. Criteria: Invitae Variant Classification Sherloc (09022015). Collection method: clinical testing. Allele origin: germline.
Comment: This sequence change replaces serine, which is neutral and polar, with leucine, which is neutral and non-polar, at codon 1962 of the CPLANE1 protein (p.Ser1962Leu). This variant is present in population databases (rs768454790, gnomAD 0.007%). This variant has not been reported in the literature in individuals affected with CPLANE1-related conditions. ClinVar contains an entry for this variant (Variation ID: 2416602). Advanced modeling of protein sequence and biophysical properties (such as structural, functional, and spatial information, amino acid conservation, physicochemical variation, residue mobility, and thermodynamic stability) performed at Invitae indicates that this missense variant is not expected to disrupt CPLANE1 protein function. In summary, the available evidence is currently insufficient to determine the role of this variant in disease. Therefore, it has been classified as a Variant of Uncertain Significance.

NM_001384732.1(CPLANE1):c.5885C>T (p.Ser1962Leu)

Gene: CPLANE1 (ciliogenesis and planar polarity effector complex subunit 1; minus strand). Cytogenetic location: 5p13.2.
Variant type: single nucleotide variant.
Coding change: c.5885C>T on transcript NM_001384732.1 (MANE Select); coding-DNA position 5885, C replaced by T.
Protein change: p.Ser1962Leu; replaces serine 1962 with leucine.
Molecular consequence: missense variant.
Genome position (GRCh38, 1-based): chr5:37,177,636, G>A on the plus strand (C>T on the coding strand, the complement: CPLANE1 is on the minus strand). VCF-style: chr5-37177636-G-A. GRCh37 (hg19) VCF-style: chr5-37177738-G-A.
Other names: c.5885C>T, p.Ser1962Leu (NM_023073.4); short protein forms S1962L.
Identifiers: ClinVar variation 2416602 (VCV002416602.3), dbSNP rs768454790, ClinGen allele CA3238420.
Genomic context (GRCh38, chr5:37,177,636, plus strand): 5'-TGAGGTAACCAGTGACAATCACTGTCATACTTTTTTCCCCCTTACCCTTTTTGTTCAGTC[G>A]ATTTTTCCTCCATAATTGTCTCCAGTGGTTCTTCCCTTTGACACTGAACCTCTTCTGTGA-3'
Protein context (NP_001371661.1, residues 1952-1972): EPLETIMEEK[Ser1962Leu]TEQKGMIEAF